The following is an entry in ClinVar:

ClinVar aggregate classification (germline): Uncertain significance (1 of 4 stars; one submission).

Conditions:
Arterial tortuosity syndrome (ATORS). Identifiers: Orphanet 3342, MedGen C1859726, MONDO:0008818, OMIM 208050.

gnomAD v4.1: 2 of 1,613,948 alleles (0.00012%); highest among the groups gnomAD compares: Non-Finnish European, 0.00017%; no homozygotes.

Submission:

Labcorp Genetics (formerly Invitae), Labcorp
Classification: Uncertain significance for Arterial tortuosity syndrome. Last evaluated: 2024-03-03. Review status: criteria provided, single submitter. Criteria: Invitae Variant Classification Sherloc (09022015). Collection method: clinical testing. Allele origin: germline.
Comment: This sequence change replaces glycine, which is neutral and non-polar, with valine, which is neutral and non-polar, at codon 397 of the SLC2A10 protein (p.Gly397Val). This variant is not present in population databases (gnomAD no frequency). This variant has not been reported in the literature in individuals affected with SLC2A10-related conditions. Advanced modeling of protein sequence and biophysical properties (such as structural, functional, and spatial information, amino acid conservation, physicochemical variation, residue mobility, and thermodynamic stability) performed at Invitae indicates that this missense variant is not expected to disrupt SLC2A10 protein function with a negative predictive value of 95%. In summary, the available evidence is currently insufficient to determine the role of this variant in disease. Therefore, it has been classified as a Variant of Uncertain Significance.

NM_030777.4(SLC2A10):c.1190G>T (p.Gly397Val)

Gene: SLC2A10 (solute carrier family 2 member 10; plus strand). Cytogenetic location: 20q13.12.
Variant type: single nucleotide variant.
Coding change: c.1190G>T on transcript NM_030777.4 (MANE Select); coding-DNA position 1190, G replaced by T.
Protein change: p.Gly397Val; replaces glycine 397 with valine.
Molecular consequence: missense variant.
Genome position (GRCh38, 1-based): chr20:46,726,226, G>T. VCF-style: chr20-46726226-G-T. GRCh37 (hg19) VCF-style: chr20-45354865-G-T.
Other names: short protein forms G397V.
Identifiers: ClinVar variation 3637690 (VCV003637690.2).